The following is an entry in ClinVar:

ClinVar aggregate classification (germline): Conflicting classifications of pathogenicity. Review status: criteria provided, conflicting classifications (1 of 4 stars). 2 submissions from 2 submitters: Pathogenic (1); Uncertain significance (1). Last evaluated 2022-06-08.

Conditions:
Cone dystrophy 4 (COD4). Identifiers: Orphanet 49382, MedGen C2751308, MONDO:0013129, OMIM 613093.

gnomAD v4.1: 12 of 1,613,522 alleles (0.00074%); highest among the groups gnomAD compares: Non-Finnish European, 0.00076%; no homozygotes.

Submissions (2):

Blueprint Genetics
Classification: Uncertain significance. Last evaluated: 2022-06-08. Review status: criteria provided, single submitter. Criteria: ACMG Guidelines, 2015. Collection method: clinical testing. Allele origin: germline.

Shahrood Center of Genetic Counseling, Shahrood Welfare
Classification: Pathogenic for Cone dystrophy 4. Review status: criteria provided, single submitter. Criteria: ACMG Guidelines, 2015. Collection method: clinical testing. Allele origin: germline. Inheritance: Autosomal recessive inheritance. Affected: yes. Observed: 12 variant alleles, 12 homozygotes.
Comment: This mutation was confirmed in 12 patients in 8 unrelated families with low vision, photophobia and achromatopsia . It has very low frequency in gnomAD database and the most of prediction software predict this mutation as a deleterious variant .

NM_006204.4(PDE6C):c.1693C>T (p.Arg565Trp)

Gene: PDE6C (phosphodiesterase 6C; plus strand). Cytogenetic location: 10q23.33.
Variant type: single nucleotide variant.
Coding change: c.1693C>T on transcript NM_006204.4 (MANE Select); coding-DNA position 1693, C replaced by T.
Protein change: p.Arg565Trp; replaces arginine 565 with tryptophan.
Molecular consequence: missense variant.
Genome position (GRCh38, 1-based): chr10:93,640,513, C>T. VCF-style: chr10-93640513-C-T. GRCh37 (hg19) VCF-style: chr10-95400270-C-T.
Other names: short protein forms R565W.
Identifiers: ClinVar variation 4277336 (VCV004277336.2).